The following is an entry in ClinVar:

NM_001319074.4(RAX2):c.138C>G (p.Phe46Leu)

Gene: RAX2 (retina and anterior neural fold homeobox 2; minus strand). Cytogenetic location: 19p13.3.
Variant type: single nucleotide variant.
Coding change: c.138C>G on transcript NM_001319074.4 (MANE Select); coding-DNA position 138, C replaced by G.
Protein change: p.Phe46Leu; replaces phenylalanine 46 with leucine.
Molecular consequence: missense variant.
Genome position (GRCh38, 1-based): chr19:3,771,605, G>C on the plus strand (C>G on the coding strand, the complement: RAX2 is on the minus strand). VCF-style: chr19-3771605-G-C. GRCh37 (hg19) VCF-style: chr19-3771603-G-C.
Other names: c.138C>G, p.Phe46Leu (NM_032753.4); short protein forms F46L.
Identifiers: ClinVar variation 2972204 (VCV002972204.3), dbSNP rs771416905, ClinGen allele CA403375633.
Genomic context (GRCh38, chr19:3,771,605, plus strand): 5'-TAGGTGCACCTTGGCTGCCAGCTCCTCACGGCTGTACACATCCGGGTAGTGAGAGGCCTC[G>C]AACGCCCGCTCCAGCTGGTGCAGCTGGTAGGTGGTGAAGGTGGTGCGGTTCCTCCGGTGC-3'
Protein context (NP_001306003.2, residues 36-56): TYQLHQLERA[Phe46Leu]EASHYPDVYS

ClinVar aggregate classification (germline): Uncertain significance (1 of 4 stars; one submission).

Submission:

Labcorp Genetics (formerly Invitae), Labcorp
Classification: Uncertain significance. Last evaluated: 2023-10-15. Review status: criteria provided, single submitter. Criteria: Invitae Variant Classification Sherloc (09022015). Collection method: clinical testing. Allele origin: germline.
Comment: This sequence change replaces phenylalanine, which is neutral and non-polar, with leucine, which is neutral and non-polar, at codon 46 of the RAX2 protein (p.Phe46Leu). This variant is not present in population databases (gnomAD no frequency). This variant has not been reported in the literature in individuals affected with RAX2-related conditions. Algorithms developed to predict the effect of missense changes on protein structure and function output the following: SIFT: "Not Available"; PolyPhen-2: "Probably Damaging"; Align-GVGD: "Not Available". The leucine amino acid residue is found in multiple mammalian species, which suggests that this missense change does not adversely affect protein function. In summary, the available evidence is currently insufficient to determine the role of this variant in disease. Therefore, it has been classified as a Variant of Uncertain Significance.